The following is an entry in ClinVar:

NM_000901.5(NR3C2):c.1106C>A (p.Ala369Asp)

Gene: NR3C2 (nuclear receptor subfamily 3 group C member 2; minus strand). Cytogenetic location: 4q31.23.
Variant type: single nucleotide variant.
Coding change: c.1106C>A on transcript NM_000901.5 (MANE Select); coding-DNA position 1106, C replaced by A.
Protein change: p.Ala369Asp; replaces alanine 369 with aspartic acid.
Molecular consequence: missense variant. On other transcripts: non-coding transcript variant (1).
Genome position (GRCh38, 1-based): chr4:148,435,755, G>T on the plus strand (C>A on the coding strand, the complement: NR3C2 is on the minus strand). VCF-style: chr4-148435755-G-T. GRCh37 (hg19) VCF-style: chr4-149356907-G-T.
Other names: c.1106C>A, p.Ala369Asp (NM_001166104.2, NM_001354819.1, NM_001437654.1 and 4 more transcripts); short protein forms A369D.
Identifiers: ClinVar variation 4743087 (VCV004743087.1).

ClinVar aggregate classification (germline): Uncertain significance (1 of 4 stars; one submission).

Submission:

Labcorp Genetics (formerly Invitae), Labcorp
Classification: Uncertain significance. Last evaluated: 2025-04-24. Review status: criteria provided, single submitter. Criteria: Invitae Variant Classification Sherloc (09022015). Collection method: clinical testing. Allele origin: germline.
Comment: This sequence change replaces alanine, which is neutral and non-polar, with aspartic acid, which is acidic and polar, at codon 369 of the NR3C2 protein (p.Ala369Asp). This variant is not present in population databases (gnomAD no frequency). This variant has not been reported in the literature in individuals affected with NR3C2-related conditions. Invitae Evidence Modeling of protein sequence and biophysical properties (such as structural, functional, and spatial information, amino acid conservation, physicochemical variation, residue mobility, and thermodynamic stability) indicates that this missense variant is not expected to disrupt NR3C2 protein function with a negative predictive value of 80%. In summary, the available evidence is currently insufficient to determine the role of this variant in disease. Therefore, it has been classified as a Variant of Uncertain Significance.